The following is an entry in ClinVar:

NM_021625.5(TRPV4):c.1615G>A (p.Gly539Arg)

Gene: TRPV4 (transient receptor potential cation channel subfamily V member 4; minus strand). Cytogenetic location: 12q24.11.
Variant type: single nucleotide variant.
Coding change: c.1615G>A on transcript NM_021625.5 (MANE Select); coding-DNA position 1615, G replaced by A.
Protein change: p.Gly539Arg; replaces glycine 539 with arginine.
Molecular consequence: missense variant.
Genome position (GRCh38, 1-based): chr12:109,793,570, C>T on the plus strand (G>A on the coding strand, the complement: TRPV4 is on the minus strand). VCF-style: chr12-109793570-C-T. GRCh37 (hg19) VCF-style: chr12-110231375-C-T.
Other names: c.1474G>A, p.Gly492Arg (NM_001177428.2); c.1513G>A, p.Gly505Arg (NM_001177431.2); c.1294G>A, p.Gly432Arg (NM_001177433.2); c.1435G>A, p.Gly479Arg (NM_147204.3); short protein forms G432R, G479R, G539R, G505R, G492R.
Identifiers: ClinVar variation 2227897 (VCV002227897.4), dbSNP rs1890176006, ClinGen allele CA386651626.
Genomic context (GRCh38, chr12:109,793,570, plus strand): 5'-CAGGGACCTCTACTCACTAGAGCAGCTGGAAGGAGCCATCAATGAAGAGAGAATTCACTC[C>T]AGGGCATTTCTTCATGAACAAGTCTTTGATCTGGAAGACAGGAGGGGGCACGTGAAAGGG-3'
Protein context (NP_067638.3, residues 529-549): IKDLFMKKCP[Gly539Arg]VNSLFIDGSF

ClinVar aggregate classification (germline): Uncertain significance. Review status: criteria provided, multiple submitters, no conflicts (2 of 4 stars). 2 submissions from 2 submitters: Uncertain significance (2). Last evaluated 2024-03-13.

Conditions:
Inborn genetic diseases. Identifiers: MedGen C0950123, MeSH D030342.
Charcot-Marie-Tooth disease axonal type 2C (HMSN2C). Also called: CHARCOT-MARIE-TOOTH DISEASE, AXONAL, AUTOSOMAL DOMINANT, TYPE 2C; Charcot-Marie-Tooth Neuropathy Type 2C; Charcot-Marie-Tooth Disease Type 2, TRPV4-Related (CMT2C). Identifiers: Orphanet 99937, MedGen C1853710, MONDO:0011633, OMIM 606071.

Submissions (2):

Labcorp Genetics (formerly Invitae), Labcorp
Classification: Uncertain significance for Charcot-Marie-Tooth disease axonal type 2C. Last evaluated: 2024-03-13. Review status: criteria provided, single submitter. Criteria: Invitae Variant Classification Sherloc (09022015). Collection method: clinical testing. Allele origin: germline.
Comment: This sequence change replaces glycine, which is neutral and non-polar, with arginine, which is basic and polar, at codon 539 of the TRPV4 protein (p.Gly539Arg). This variant is not present in population databases (gnomAD no frequency). This variant has not been reported in the literature in individuals affected with TRPV4-related conditions. ClinVar contains an entry for this variant (Variation ID: 2227897). Advanced modeling of protein sequence and biophysical properties (such as structural, functional, and spatial information, amino acid conservation, physicochemical variation, residue mobility, and thermodynamic stability) has been performed at Invitae for this missense variant, however the output from this modeling did not meet the statistical confidence thresholds required to predict the impact of this variant on TRPV4 protein function. In summary, the available evidence is currently insufficient to determine the role of this variant in disease. Therefore, it has been classified as a Variant of Uncertain Significance.

Ambry Genetics
Classification: Uncertain significance for Inborn genetic diseases. Last evaluated: 2021-02-12. Review status: criteria provided, single submitter. Criteria: Ambry Variant Classification Scheme 2023. Collection method: clinical testing. Allele origin: germline.
Comment: The c.1615G>A (p.G539R) alteration is located in exon 10 (coding exon 9) of the TRPV4 gene. This alteration results from a G to A substitution at nucleotide position 1615, causing the glycine (G) at amino acid position 539 to be replaced by an arginine (R). The p.G539R alteration is predicted to be deleterious by in silico analysis. Based on insufficient or conflicting evidence, the clinical significance of this alteration remains unclear.